The following is an entry in ClinVar:

NM_000020.3(ACVRL1):c.1037T>G (p.Ile346Ser)

Gene: ACVRL1 (activin A receptor like type 1; plus strand). Cytogenetic location: 12q13.13.
Variant type: single nucleotide variant.
Coding change: c.1037T>G on transcript NM_000020.3 (MANE Select); coding-DNA position 1037, T replaced by G.
Protein change: p.Ile346Ser; replaces isoleucine 346 with serine.
Molecular consequence: missense variant.
Genome position (GRCh38, 1-based): chr12:51,915,489, T>G. VCF-style: chr12-51915489-T-G. GRCh37 (hg19) VCF-style: chr12-52309273-T-G.
Other names: c.1037T>G, p.Ile346Ser (NM_001406489.1, NM_001077401.2, NM_001406487.1 and 1 more transcripts); c.725T>G, p.Ile242Ser (NM_001406490.1, NM_001406491.1, NM_001406492.1 and 2 more transcripts); c.473T>G, p.Ile158Ser (NM_001406495.1); short protein forms I158S, I242S, I346S.
Identifiers: ClinVar variation 1720346 (VCV001720346.5), dbSNP rs2540164982, ClinGen allele CA384901790.

ClinVar aggregate classification (germline): Uncertain significance (1 of 4 stars; one submission).

Conditions:
Telangiectasia, hereditary hemorrhagic, type 2 (HHT2). Also called: ACVRL1-Related Hereditary Hemorrhagic Telangiectasia; Telangiectasia, hereditary hemorrhagic, type II. Identifiers: Orphanet 774, MedGen C1838163, MONDO:0010880, OMIM 600376. Disease mechanism: loss of function.

Submission:

Labcorp Genetics (formerly Invitae), Labcorp
Classification: Uncertain significance for Telangiectasia, hereditary hemorrhagic, type 2. Last evaluated: 2024-03-13. Review status: criteria provided, single submitter. Criteria: Invitae Variant Classification Sherloc (09022015). Collection method: clinical testing. Allele origin: germline.
Comment: This sequence change replaces isoleucine, which is neutral and non-polar, with serine, which is neutral and polar, at codon 346 of the ACVRL1 protein (p.Ile346Ser). This variant is not present in population databases (gnomAD no frequency). This missense change has been observed in individual(s) with hereditary hemorrhagic telangiectasia (Invitae). ClinVar contains an entry for this variant (Variation ID: 1720346). Advanced modeling of protein sequence and biophysical properties (such as structural, functional, and spatial information, amino acid conservation, physicochemical variation, residue mobility, and thermodynamic stability) performed at Invitae indicates that this missense variant is expected to disrupt ACVRL1 protein function with a positive predictive value of 95%. In summary, the available evidence is currently insufficient to determine the role of this variant in disease. Therefore, it has been classified as a Variant of Uncertain Significance.